The following is an entry in ClinVar:

ClinVar aggregate classification (germline): Uncertain significance (1 of 4 stars; one submission).

Conditions:
MAPK8IP3-related disorder. Also called: MAPK8IP3-related condition.

Allele frequency attached by ClinVar (database versions not stated): TOPMed below 0.00001; ExAC 0.00001; gnomAD 0.00001.

Submission:

PreventionGenetics, part of Exact Sciences
Classification: Uncertain significance for MAPK8IP3-related condition. Last evaluated: 2023-06-20. Review status: criteria provided, single submitter. Criteria: ACMG Guidelines, 2015. Collection method: clinical testing. Allele origin: germline.
Comment: The MAPK8IP3 c.75G>A variant is predicted to result in the amino acid substitution p.Met25Ile. To our knowledge, this variant has not been reported in the literature. This variant is reported in 0.0064% of alleles in individuals of African descent in gnomAD. At this time, the clinical significance of this variant is uncertain due to the absence of conclusive functional and genetic evidence.

NM_001318852.2(MAPK8IP3):c.75G>A (p.Met25Ile)

Gene: MAPK8IP3 (mitogen-activated protein kinase 8 interacting protein 3; plus strand). Cytogenetic location: 16p13.3.
Variant type: single nucleotide variant.
Coding change: c.75G>A on transcript NM_001318852.2 (MANE Select); coding-DNA position 75, G replaced by A.
Protein change: p.Met25Ile; replaces methionine 25 with isoleucine.
Molecular consequence: missense variant.
Genome position (GRCh38, 1-based): chr16:1,706,414, G>A. VCF-style: chr16-1706414-G-A. GRCh37 (hg19) VCF-style: chr16-1756415-G-A.
Other names: c.75G>A, p.Met25Ile (NM_001040439.2, NM_015133.5, NM_033392.3); short protein forms M25I.
Identifiers: ClinVar variation 2632364 (VCV002632364.1), dbSNP rs769038159, ClinGen allele CA7816221.
Genomic context (GRCh38, chr16:1,706,414, plus strand): 5'-GATGGACGAGGGCGGCGGCGTGGTGGTGTACCAGGACGACTACTGCTCCGGCTCGGTGAT[G>A]TCGGAGCGGGTGTCGGGCCTGGCGGGCTCCATCTACCGCGAGTTCGAGCGCCTCATCCAC-3'
Protein context (NP_001305781.1, residues 15-35): YQDDYCSGSV[Met25Ile]SERVSGLAGS